The following is an entry in ClinVar:

NM_002693.3(POLG):c.274G>A (p.Gly92Arg)

Genes: POLG (DNA polymerase gamma, catalytic subunit; minus strand), POLGARF (POLG alternative reading frame; minus strand). Cytogenetic location: 15q26.1.
Variant type: single nucleotide variant.
Coding change: c.274G>A on transcript NM_002693.3 (MANE Select); coding-DNA position 274, G replaced by A.
Protein change: p.Gly92Arg; replaces glycine 92 with arginine.
Molecular consequence: missense variant.
Genome position (GRCh38, 1-based): chr15:89,333,481, C>T on the plus strand (G>A on the coding strand, the complement: POLG is on the minus strand). VCF-style: chr15-89333481-C-T. GRCh37 (hg19) VCF-style: chr15-89876712-C-T.
Other names: c.274G>A, p.Gly92Arg (NM_001126131.2); short protein forms G92R.
Identifiers: ClinVar variation 2162558 (VCV002162558.4), dbSNP rs747837325, ClinGen allele CA7725143.

ClinVar aggregate classification (germline): Uncertain significance (1 of 4 stars; one submission).

Conditions:
Progressive sclerosing poliodystrophy (MTDPS4A). Also called: Mitochondrial DNA depletion syndrome 4A (Alpers type); Alpers Syndrome; ALPERS DIFFUSE DEGENERATION OF CEREBRAL GRAY MATTER WITH HEPATIC CIRRHOSIS; Alpers-Huttenlocher Syndrome; ALPERS PROGRESSIVE INFANTILE POLIODYSTROPHY; NEURONAL DEGENERATION OF CHILDHOOD WITH LIVER DISEASE, PROGRESSIVE. Identifiers: Orphanet 726, MedGen C0205710, MONDO:0008758, OMIM 203700.

Allele frequency attached by ClinVar (database versions not stated): ExAC 0.00002.
gnomAD v4.1: 5 of 1,612,486 alleles (0.00031%); highest among the groups gnomAD compares: Admixed American, 0.0067%; 1 homozygote.

Submission:

Labcorp Genetics (formerly Invitae), Labcorp
Classification: Uncertain significance for Progressive sclerosing poliodystrophy. Last evaluated: 2024-09-12. Review status: criteria provided, single submitter. Criteria: Invitae Variant Classification Sherloc (09022015). Collection method: clinical testing. Allele origin: germline.
Comment: This sequence change replaces glycine, which is neutral and non-polar, with arginine, which is basic and polar, at codon 92 of the POLG protein (p.Gly92Arg). This variant is present in population databases (rs747837325, gnomAD 0.01%). This variant has not been reported in the literature in individuals affected with POLG-related conditions. ClinVar contains an entry for this variant (Variation ID: 2162558). Invitae Evidence Modeling of protein sequence and biophysical properties (such as structural, functional, and spatial information, amino acid conservation, physicochemical variation, residue mobility, and thermodynamic stability) indicates that this missense variant is not expected to disrupt POLG protein function with a negative predictive value of 95%. In summary, the available evidence is currently insufficient to determine the role of this variant in disease. Therefore, it has been classified as a Variant of Uncertain Significance.